The following is an entry in ClinVar:

NM_001009944.3(PKD1):c.8999G>C (p.Arg3000Pro)

Gene: PKD1 (polycystin 1, transient receptor potential channel interacting; minus strand). Cytogenetic location: 16p13.3.
Variant type: single nucleotide variant.
Coding change: c.8999G>C on transcript NM_001009944.3 (MANE Select); coding-DNA position 8999, G replaced by C.
Protein change: p.Arg3000Pro; replaces arginine 3000 with proline.
Molecular consequence: missense variant.
Genome position (GRCh38, 1-based): chr16:2,102,583, C>G on the plus strand (G>C on the coding strand, the complement: PKD1 is on the minus strand). VCF-style: chr16-2102583-C-G. GRCh37 (hg19) VCF-style: chr16-2152584-C-G.
Other names: c.8999G>C, p.Arg3000Pro (NM_000296.4); short protein forms R3000P.
Identifiers: ClinVar variation 1213665 (VCV001213665.9), dbSNP rs746460070, ClinGen allele CA394360982.

ClinVar aggregate classification (germline): Conflicting classifications of pathogenicity. Review status: criteria provided, conflicting classifications (1 of 4 stars). 4 submissions from 4 submitters: Likely pathogenic (1); Uncertain significance (3). Last evaluated 2026-02-23.

Conditions:
PKD1-related disorder. Also called: PKD1-related condition.
Polycystic kidney disease, adult type (PKD1). Also called: Polycystic Kidney Disease 1, Autosomal Dominant; Polycystic kidney disease 1; Polycystic kidney disease 1, severe; POLYCYSTIC KIDNEY DISEASE, ADULT, TYPE I; Polycystic Kidney, Autosomal Dominant; POLYCYSTIC KIDNEY DISEASE 1 WITH OR WITHOUT POLYCYSTIC LIVER DISEASE. Identifiers: MedGen C3149841, MONDO:0008263, OMIM 173900.

Submissions (4):

Women's Health and Genetics/Laboratory Corporation of America, LabCorp
Classification: Uncertain significance. Last evaluated: 2026-02-23. Review status: criteria provided, single submitter. Criteria: LabCorp Variant Classification Summary - May 2015. Collection method: clinical testing. Allele origin: germline.
Comment: Variant summary: PKD1 c.8999G>C (p.Arg3000Pro) results in a non-conservative amino acid change in the encoded protein sequence. Algorithms developed to predict the effect of missense changes on protein structure and function are either unavailable or do not agree on the potential impact of this missense change. The variant was absent in 248254 control chromosomes. The available data on variant occurrences in the general population are insufficient to allow any conclusion about variant significance. To our knowledge, no occurrence of c.8999G>C in individuals affected with PKD1-related conditions and no experimental evidence demonstrating its impact on protein function have been reported. ClinVar contains an entry for this variant (Variation ID: 1213665). Based on the evidence outlined above, the variant was classified as uncertain significance.

Fulgent Genetics
Classification: Likely pathogenic for Polycystic kidney disease, adult type. Last evaluated: 2024-05-24. Review status: criteria provided, single submitter. Criteria: ACMG Guidelines, 2015. Collection method: clinical testing. Allele origin: germline.

GeneDx
Classification: Uncertain significance. Last evaluated: 2023-12-14. Review status: criteria provided, single submitter. Criteria: GeneDx Variant Classification Process June 2021. Collection method: clinical testing. Allele origin: germline. Affected: yes.
Comment: Not observed in large population cohorts (gnomAD); Has not been previously published as pathogenic or benign to our knowledge; In silico analysis supports that this missense variant does not alter protein structure/function

PreventionGenetics, part of Exact Sciences
Classification: Uncertain significance for PKD1-related condition. Last evaluated: 2022-09-21. Review status: criteria provided, single submitter. Criteria: ACMG Guidelines, 2015. Collection method: clinical testing. Allele origin: germline.
Comment: The PKD1 c.8999G>C variant is predicted to result in the amino acid substitution p.Arg3000Pro. To our knowledge, this variant has not been reported in the literature or in a large population database, indicating this variant is rare. However, other missense changes affecting the same amino acid residue (p.Arg3000Cys, p.Arg3000Cys) have been reported in patients with AD polycystic kidney disease phenotypes, however in both cases an additional variant in PKD1 was also reported (P71, Supplementary Table 2, Domingo-Gallego et al. 2022. PubMed ID: 33532864; P21, Table 2, Durkie et al. 2021. PubMed ID: 33168999). At this time, the clinical significance of this variant is uncertain due to the absence of conclusive functional and genetic evidence.